The following is an entry in ClinVar:

ClinVar aggregate classification (germline): Uncertain significance (1 of 4 stars; one submission).

Conditions:
NCKAP1-related disorder. Also called: NCKAP1-related condition.

Submission:

PreventionGenetics, part of Exact Sciences
Classification: Uncertain significance for NCKAP1-related condition. Last evaluated: 2026-09-03. Review status: criteria provided, single submitter. Criteria: ACMG Guidelines, 2015. Collection method: clinical testing. Allele origin: germline.
Comment: The NCKAP1 c.2011A>G variant is predicted to result in the amino acid substitution p.Met671Val. To our knowledge, this variant has not been reported in the literature or in a large population database (gnomAD), indicating this variant is rare. At this time, the clinical significance of this variant is uncertain due to the absence of conclusive functional and genetic evidence.

NM_013436.5(NCKAP1):c.1993A>G (p.Met665Val)

Gene: NCKAP1 (NCK associated protein 1; minus strand). Cytogenetic location: 2q32.1.
Variant type: single nucleotide variant.
Coding change: c.1993A>G on transcript NM_013436.5 (MANE Select); coding-DNA position 1993, A replaced by G.
Protein change: p.Met665Val; replaces methionine 665 with valine.
Molecular consequence: missense variant.
Genome position (GRCh38, 1-based): chr2:182,957,485, T>C on the plus strand (A>G on the coding strand, the complement: NCKAP1 is on the minus strand). VCF-style: chr2-182957485-T-C. GRCh37 (hg19) VCF-style: chr2-183822213-T-C.
Other names: c.1987A>G, p.Met663Val (NM_001437266.1); c.2005A>G, p.Met669Val (NM_001437267.1); c.2011A>G, p.Met671Val (NM_205842.3); short protein forms M665V, M663V, M669V, M671V.
Identifiers: ClinVar variation 4998925 (VCV004998925.1).